The following is an entry in ClinVar:

ClinVar aggregate classification (germline): Likely benign (1 of 4 stars; one submission).

Conditions:
MYH8-related disorder. Also called: MYH8-related condition.

gnomAD v4.1: 184 of 1,614,210 alleles (0.011%); highest among the groups gnomAD compares: South Asian, 0.11%; 2 homozygotes.

Submission:

PreventionGenetics, part of Exact Sciences
Classification: Likely benign for MYH8-related condition. Last evaluated: 2025-02-19. Review status: criteria provided, single submitter. Criteria: ACMG Guidelines, 2015. Collection method: clinical testing. Allele origin: germline.
Comment: This variant is classified as likely benign based on ACMG/AMP sequence variant interpretation guidelines (Richards et al. 2015 PMID: 25741868, with internal and published modifications).

NM_002472.3(MYH8):c.5337C>T (p.Ser1779=)

Genes: MYH8 (myosin heavy chain 8; minus strand), MYHAS (myosin heavy chain gene cluster antisense RNA; plus strand), LOC126862493 (BRD4-independent group 4 enhancer GRCh37_chr17:10295275-10296474; plus strand). Cytogenetic location: 17p13.1.
Variant type: single nucleotide variant.
Coding change: c.5337C>T on transcript NM_002472.3 (MANE Select); coding-DNA position 5337, C replaced by T.
Protein change: p.Ser1779=; no amino-acid change (serine 1779 retained).
Molecular consequence: synonymous variant.
Genome position (GRCh38, 1-based): chr17:10,392,957, G>A on the plus strand (C>T on the coding strand, the complement: MYH8 is on the minus strand). VCF-style: chr17-10392957-G-A. GRCh37 (hg19) VCF-style: chr17-10296274-G-A.
Identifiers: ClinVar variation 4982578 (VCV004982578.1).
Genomic context (GRCh38, chr17:10,392,957, plus strand): 5'-ACGATGCTGCAGGTCCTTCACCGTCTGCTCCAGGTTCTTCTTCATCCGCTCCAGGTGGGC[G>A]CTGGTGTCCTGTTCCTTCTTCAGCTCCTCAGCCATCATGGCAGCCTATTTAGGAAATAAA-3'
Protein context (NP_002463.2, residues 1769-1789): AEELKKEQDT[Ser1779=]AHLERMKKNL